The following is an entry in ClinVar:

NM_016507.4(CDK12):c.2141A>C (p.Gln714Pro)

Gene: CDK12 (cyclin dependent kinase 12; plus strand). Cytogenetic location: 17q12.
Variant type: single nucleotide variant.
Coding change: c.2141A>C on transcript NM_016507.4 (MANE Select); coding-DNA position 2141, A replaced by C.
Protein change: p.Gln714Pro; replaces glutamine 714 with proline.
Molecular consequence: missense variant.
Genome position (GRCh38, 1-based): chr17:39,492,783, A>C. VCF-style: chr17-39492783-A-C. GRCh37 (hg19) VCF-style: chr17-37649036-A-C.
Other names: c.2141A>C, p.Gln714Pro (NM_015083.4); short protein forms Q714P.
Identifiers: ClinVar variation 3999235 (VCV003999235.1).

ClinVar aggregate classification (germline): Uncertain significance (1 of 4 stars; one submission).

Submission:

Ambry Genetics
Classification: Uncertain significance. Last evaluated: 2025-03-17. Review status: criteria provided, single submitter. Criteria: Ambry Variant Classification Scheme 2023. Collection method: clinical testing. Allele origin: germline.
Comment: The p.Q714P variant (also known as c.2141A>C), located in coding exon 4 of the CDK12 gene, results from an A to C substitution at nucleotide position 2141. The glutamine at codon 714 is replaced by proline, an amino acid with similar properties. This amino acid position is conserved. In addition, this alteration is predicted to be deleterious by in silico analysis. Based on the available evidence, the clinical significance of this variant remains unclear.